The following is an entry in ClinVar:

ClinVar aggregate classification (germline): Uncertain significance (1 of 4 stars; one submission).

Submission:

Women's Health and Genetics/Laboratory Corporation of America, LabCorp
Classification: Uncertain significance. Last evaluated: 2025-05-27. Review status: criteria provided, single submitter. Criteria: LabCorp Variant Classification Summary - May 2015. Collection method: clinical testing. Allele origin: germline.
Comment: Variant summary: CPS1 c.1951G>A (p.Glu651Lys) results in a conservative amino acid change in the encoded protein sequence. Algorithms developed to predict the effect of missense changes on protein structure and function are either unavailable or do not agree on the potential impact of this missense change. The variant was absent in 250704 control chromosomes. The available data on variant occurrences in the general population are insufficient to allow any conclusion about variant significance. c.1951G>A has been observed in individual(s) affected with Carbamoylphosphate Synthetase I Deficiency (Kurokawa_2007). These data do not allow any conclusion about variant significance. To our knowledge, no experimental evidence demonstrating an impact on protein function has been reported. The following publication has been ascertained in the context of this evaluation (PMID: 17310273). No submitters have cited clinical-significance assessments for this variant to ClinVar. Based on the evidence outlined above, the variant was classified as uncertain significance.

Literature cited by the submitters: PubMed 17310273.

NM_001875.5(CPS1):c.1951G>A (p.Glu651Lys)

Gene: CPS1 (carbamoyl-phosphate synthase 1; plus strand). Cytogenetic location: 2q34.
Variant type: single nucleotide variant.
Coding change: c.1951G>A on transcript NM_001875.5 (MANE Select); coding-DNA position 1951, G replaced by A.
Protein change: p.Glu651Lys; replaces glutamic acid 651 with lysine.
Molecular consequence: missense variant. On other transcripts: non-coding transcript variant (2).
Genome position (GRCh38, 1-based): chr2:210,605,216, G>A. VCF-style: chr2-210605216-G-A. GRCh37 (hg19) VCF-style: chr2-211469940-G-A.
Other names: c.1951G>A, p.Glu651Lys (NM_001122633.3, NM_001369257.1); c.1984G>A, p.Glu662Lys (NM_001369256.1); short protein forms E651K, E662K.
Identifiers: ClinVar variation 3902697 (VCV003902697.1).